The following is an entry in ClinVar:

NM_003579.4(RAD54L):c.1910A>C (p.His637Pro)

Genes: LRRC41 (leucine rich repeat containing 41; minus strand), RAD54L (RAD54 like; plus strand). Cytogenetic location: 1p34.1.
Variant type: single nucleotide variant.
Coding change: c.1910A>C on transcript NM_003579.4 (MANE Select); coding-DNA position 1910, A replaced by C.
Protein change: p.His637Pro; replaces histidine 637 with proline.
Molecular consequence: missense variant. On other transcripts: 3 prime UTR variant (1).
Genome position (GRCh38, 1-based): chr1:46,277,857, A>C. VCF-style: chr1-46277857-A-C. GRCh37 (hg19) VCF-style: chr1-46743529-A-C.
Other names: c.*1008T>G (NM_006369.5); c.1910A>C, p.His637Pro (NM_001142548.2); c.1370A>C, p.His457Pro (NM_001370766.1); short protein forms H637P, H457P.
Identifiers: ClinVar variation 1782496 (VCV001782496.2), dbSNP rs753304857, ClinGen allele CA834767.

ClinVar aggregate classification (germline): Uncertain significance (1 of 4 stars; one submission).

Allele frequency attached by ClinVar (database versions not stated): gnomAD 0.00001; ExAC 0.00002.
gnomAD v4.1: 1 of 1,612,816 alleles (0.000062%); highest among the groups gnomAD compares: Admixed American, 0.0017%; no homozygotes.

Submission:

Ambry Genetics
Classification: Uncertain significance. Last evaluated: 2022-08-07. Review status: criteria provided, single submitter. Criteria: Ambry Variant Classification Scheme 2023. Collection method: clinical testing. Allele origin: germline.
Comment: The p.H637P variant (also known as c.1910A>C), located in coding exon 17 of the RAD54L gene, results from an A to C substitution at nucleotide position 1910. The histidine at codon 637 is replaced by proline, an amino acid with similar properties. This amino acid position is conserved. In addition, the in silico prediction for this alteration is inconclusive. Since supporting evidence is limited at this time, the clinical significance of this alteration remains unclear.